The following is an entry in ClinVar:

ClinVar aggregate classification (germline): Likely benign. Review status: criteria provided, single submitter (1 of 4 stars). 2 submissions from 2 submitters: Likely benign (1). 1 of the submissions does not count toward it. Last evaluated 2025-10-04.

Conditions:
CCNO-related disorder. Also called: CCNO-related condition.
Primary ciliary dyskinesia. Also called: Ciliary dyskinesia. Identifiers: Orphanet 244, MedGen C0008780, MONDO:0016575, HP:0012265.

Allele frequency attached by ClinVar (database versions not stated): gnomAD exomes 0.00002 and 0.00005; gnomAD 0.00003; ExAC 0.00004; TOPMed 0.00008; ESP Exome Variant Server 0.00015; 1000 Genomes Project 30x 0.00016; 1000 Genomes Project 0.00020.

Submissions (2):

Labcorp Genetics (formerly Invitae), Labcorp
Classification: Likely benign for Primary ciliary dyskinesia. Last evaluated: 2025-10-04. Review status: criteria provided, single submitter. Criteria: Invitae Variant Classification Sherloc (09022015). Collection method: clinical testing. Allele origin: germline.

PreventionGenetics, part of Exact Sciences
Classification: Likely benign for CCNO-related condition. Last evaluated: 2019-06-17. Review status: no assertion criteria provided. Collection method: clinical testing. Allele origin: germline. Not counted in ClinVar's aggregate classification.
Comment: This variant is classified as likely benign based on ACMG/AMP sequence variant interpretation guidelines (Richards et al. 2015 PMID: 25741868, with internal and published modifications).

NM_021147.5(CCNO):c.999C>T (p.His333=)

Gene: CCNO (cyclin O; minus strand). Cytogenetic location: 5q11.2.
Variant type: single nucleotide variant.
Coding change: c.999C>T on transcript NM_021147.5 (MANE Select); coding-DNA position 999, C replaced by T.
Protein change: p.His333=; no amino-acid change (histidine 333 retained).
Molecular consequence: synonymous variant. On other transcripts: non-coding transcript variant (3).
Genome position (GRCh38, 1-based): chr5:55,231,429, G>A on the plus strand (C>T on the coding strand, the complement: CCNO is on the minus strand). VCF-style: chr5-55231429-G-A. GRCh37 (hg19) VCF-style: chr5-54527257-G-A.
Identifiers: ClinVar variation 696778 (VCV000696778.10), dbSNP rs143418535, ClinGen allele CA3266640.
Genomic context (GRCh38, chr5:55,231,429, plus strand): 5'-TCTGTTTTATTTCGAGCTCGGGGGCAGGCTGCACTTCTCGCAGATCTGAACGGGCAGCAT[G>A]TGAGTCAAGGAAGTACTGTTTATGGCCACCAGCAGCTGCAACTTGCCCATACAGTCCTCC-3'
Protein context (NP_066970.3, residues 323-343): LVAINSTSLT[His333=]MLPVQICEKC